The following is an entry in ClinVar:

NM_004341.5(CAD):c.5212C>T (p.Arg1738Cys)

Gene: CAD (carbamoyl-phosphate synthetase 2, aspartate transcarbamylase, and dihydroorotase; plus strand). Cytogenetic location: 2p23.3.
Variant type: single nucleotide variant.
Coding change: c.5212C>T on transcript NM_004341.5 (MANE Select); coding-DNA position 5212, C replaced by T.
Protein change: p.Arg1738Cys; replaces arginine 1738 with cysteine.
Molecular consequence: missense variant.
Genome position (GRCh38, 1-based): chr2:27,239,191, C>T. VCF-style: chr2-27239191-C-T. GRCh37 (hg19) VCF-style: chr2-27462059-C-T.
Other names: c.5023C>T, p.Arg1675Cys (NM_001306079.2); short protein forms R1675C, R1738C.
Identifiers: ClinVar variation 1920034 (VCV001920034.2), dbSNP rs142918238, ClinGen allele CA1573778.
Genomic context (GRCh38, chr2:27,239,191, plus strand): 5'-GTAAGCGAGGGCCGGCTCAGCCTGGACGACCTGCTGCAGCGATTGCACCACAATCCTCGG[C>T]GCATCTTTCACCTGCCCCCGCAGGAGGACACCTATGTGGAGGTGTGGGGATGAGGCCCAG-3'
Protein context (NP_004332.2, residues 1728-1748): LLQRLHHNPR[Arg1738Cys]IFHLPPQEDT

ClinVar aggregate classification (germline): Uncertain significance (1 of 4 stars; one submission).

Allele frequency attached by ClinVar (database versions not stated): gnomAD exomes 0.00001; ExAC 0.00002; TOPMed 0.00002; gnomAD 0.00003; ESP Exome Variant Server 0.00008; 1000 Genomes Project 30x 0.00016; 1000 Genomes Project 0.00020.
gnomAD v4.1: 21 of 1,610,248 alleles (0.0013%); highest among the groups gnomAD compares: African/African-American, 0.004%; no homozygotes.

Submission:

Labcorp Genetics (formerly Invitae), Labcorp
Classification: Uncertain significance. Last evaluated: 2022-10-26. Review status: criteria provided, single submitter. Criteria: Invitae Variant Classification Sherloc (09022015). Collection method: clinical testing. Allele origin: germline.
Comment: This sequence change replaces arginine, which is basic and polar, with cysteine, which is neutral and slightly polar, at codon 1738 of the CAD protein (p.Arg1738Cys). This variant is present in population databases (rs142918238, gnomAD 0.003%). This variant has not been reported in the literature in individuals affected with CAD-related conditions. Algorithms developed to predict the effect of missense changes on protein structure and function (SIFT, PolyPhen-2, Align-GVGD) all suggest that this variant is likely to be disruptive. In summary, the available evidence is currently insufficient to determine the role of this variant in disease. Therefore, it has been classified as a Variant of Uncertain Significance.